The following is an entry in ClinVar:

NM_005802.5(TOPORS):c.1135C>T (p.Pro379Ser)

Gene: TOPORS (TOP1 binding arginine/serine rich protein, E3 ubiquitin ligase; minus strand). Cytogenetic location: 9p21.1.
Variant type: single nucleotide variant.
Coding change: c.1135C>T on transcript NM_005802.5 (MANE Select); coding-DNA position 1135, C replaced by T.
Protein change: p.Pro379Ser; replaces proline 379 with serine.
Molecular consequence: missense variant.
Genome position (GRCh38, 1-based): chr9:32,543,390, G>A on the plus strand (C>T on the coding strand, the complement: TOPORS is on the minus strand). VCF-style: chr9-32543390-G-A. GRCh37 (hg19) VCF-style: chr9-32543388-G-A.
Other names: c.940C>T, p.Pro314Ser (NM_001195622.2); short protein forms P314S, P379S.
Identifiers: ClinVar variation 4772218 (VCV004772218.1).
Genomic context (GRCh38, chr9:32,543,390, plus strand): 5'-CCTCATCTGGAGATATTGTTATGACTGAAGAATCAGAATGGCTGCCTTCTTCGTATGAAG[G>A]AGCAGGGCAATCATAATTGGCATGCTGGTCAAAGGCTGCCATGTTAAAAGGAGATCGGGC-3'
Protein context (NP_005793.2, residues 369-389): DQHANYDCPA[Pro379Ser]SYEEGSHSDS

ClinVar aggregate classification (germline): Uncertain significance (1 of 4 stars; one submission).

Submission:

Labcorp Genetics (formerly Invitae), Labcorp
Classification: Uncertain significance. Last evaluated: 2025-08-19. Review status: criteria provided, single submitter. Criteria: Invitae Variant Classification Sherloc (09022015). Collection method: clinical testing. Allele origin: germline.
Comment: This sequence change replaces proline, which is neutral and non-polar, with serine, which is neutral and polar, at codon 379 of the TOPORS protein (p.Pro379Ser). This variant is present in population databases (no rsID available, gnomAD 0.003%). This variant has not been reported in the literature in individuals affected with TOPORS-related conditions. An algorithm developed to predict the effect of missense changes on protein structure and function (PolyPhen-2) suggests that this variant is likely to be disruptive. In summary, the available evidence is currently insufficient to determine the role of this variant in disease. Therefore, it has been classified as a Variant of Uncertain Significance.